The following is an entry in ClinVar:

NM_001170629.2(CHD8):c.6538C>T (p.Arg2180Cys)

Gene: CHD8 (chromodomain helicase DNA binding protein 8; minus strand). Cytogenetic location: 14q11.2.
Variant type: single nucleotide variant.
Coding change: c.6538C>T on transcript NM_001170629.2 (MANE Select); coding-DNA position 6538, C replaced by T.
Protein change: p.Arg2180Cys; replaces arginine 2180 with cysteine.
Molecular consequence: missense variant.
Genome position (GRCh38, 1-based): chr14:21,392,740, G>A on the plus strand (C>T on the coding strand, the complement: CHD8 is on the minus strand). VCF-style: chr14-21392740-G-A. GRCh37 (hg19) VCF-style: chr14-21860899-G-A.
Other names: c.5701C>T, p.Arg1901Cys (NM_020920.4); short protein forms R2180C, R1901C.
Identifiers: ClinVar variation 2736068 (VCV002736068.3), dbSNP rs373651476, ClinGen allele CA7090758.

ClinVar aggregate classification (germline): Uncertain significance (1 of 4 stars; one submission).

Allele frequency attached by ClinVar (database versions not stated): ExAC 0.00002; gnomAD 0.00002; TOPMed 0.00002; ESP Exome Variant Server 0.00008; 1000 Genomes Project 30x 0.00016; 1000 Genomes Project 0.00020.
gnomAD v4.1: 32 of 1,613,926 alleles (0.002%); highest among the groups gnomAD compares: Non-Finnish European, 0.0023%; no homozygotes.

Submission:

Labcorp Genetics (formerly Invitae), Labcorp
Classification: Uncertain significance. Last evaluated: 2023-12-26. Review status: criteria provided, single submitter. Criteria: Invitae Variant Classification Sherloc (09022015). Collection method: clinical testing. Allele origin: germline.
Comment: This sequence change replaces arginine, which is basic and polar, with cysteine, which is neutral and slightly polar, at codon 2180 of the CHD8 protein (p.Arg2180Cys). This variant is present in population databases (rs373651476, gnomAD 0.004%). This variant has not been reported in the literature in individuals affected with CHD8-related conditions. Advanced modeling of protein sequence and biophysical properties (such as structural, functional, and spatial information, amino acid conservation, physicochemical variation, residue mobility, and thermodynamic stability) performed at Invitae indicates that this missense variant is expected to disrupt CHD8 protein function with a positive predictive value of 80%. In summary, the available evidence is currently insufficient to determine the role of this variant in disease. Therefore, it has been classified as a Variant of Uncertain Significance.